The following is an entry in ClinVar:

ClinVar aggregate classification (germline): Uncertain significance (1 of 4 stars; one submission).

Conditions:
Deficiency of alpha-mannosidase (MANSA). Also called: Mannosidosis, alpha-, types I and II; LYSOSOMAL ALPHA-D-MANNOSIDASE DEFICIENCY; Alpha-Mannosidosis. Identifiers: Orphanet 61, MedGen C0024748, MONDO:0009561, OMIM 248500.

Allele frequency attached by ClinVar (database versions not stated): gnomAD exomes below 0.00001; ExAC 0.00004.
gnomAD v4.1: 4 of 1,576,928 alleles (0.00025%); highest among the groups gnomAD compares: South Asian, 0.0034%; no homozygotes.

Submission:

Labcorp Genetics (formerly Invitae), Labcorp
Classification: Uncertain significance for Deficiency of alpha-mannosidase. Last evaluated: 2022-04-01. Review status: criteria provided, single submitter. Criteria: Invitae Variant Classification Sherloc (09022015). Collection method: clinical testing. Allele origin: germline.
Comment: This sequence change replaces proline, which is neutral and non-polar, with leucine, which is neutral and non-polar, at codon 873 of the MAN2B1 protein (p.Pro873Leu). This variant is present in population databases (rs752022224, gnomAD 0.004%). This variant has not been reported in the literature in individuals affected with MAN2B1-related conditions. Algorithms developed to predict the effect of missense changes on protein structure and function output the following: SIFT: "Tolerated"; PolyPhen-2: "Benign"; Align-GVGD: "Class C0". The leucine amino acid residue is found in multiple mammalian species, which suggests that this missense change does not adversely affect protein function. In summary, the available evidence is currently insufficient to determine the role of this variant in disease. Therefore, it has been classified as a Variant of Uncertain Significance.

NM_000528.4(MAN2B1):c.2618C>T (p.Pro873Leu)

Gene: MAN2B1 (mannosidase alpha class 2B member 1; minus strand). Cytogenetic location: 19p13.13.
Variant type: single nucleotide variant.
Coding change: c.2618C>T on transcript NM_000528.4 (MANE Select); coding-DNA position 2618, C replaced by T.
Protein change: p.Pro873Leu; replaces proline 873 with leucine.
Molecular consequence: missense variant.
Genome position (GRCh38, 1-based): chr19:12,648,221, G>A on the plus strand (C>T on the coding strand, the complement: MAN2B1 is on the minus strand). VCF-style: chr19-12648221-G-A. GRCh37 (hg19) VCF-style: chr19-12759035-G-A.
Other names: c.2615C>T, p.Pro872Leu (NM_001173498.2); short protein forms P872L, P873L.
Identifiers: ClinVar variation 2161810 (VCV002161810.1), dbSNP rs752022224, ClinGen allele CA9225974.